The following is an entry in ClinVar:

NM_002693.3(POLG):c.1874C>G (p.Pro625Arg)

Gene: POLG (DNA polymerase gamma, catalytic subunit; minus strand). Cytogenetic location: 15q26.1.
Variant type: single nucleotide variant.
Coding change: c.1874C>G on transcript NM_002693.3 (MANE Select); coding-DNA position 1874, C replaced by G.
Protein change: p.Pro625Arg; replaces proline 625 with arginine.
Molecular consequence: missense variant.
Genome position (GRCh38, 1-based): chr15:89,325,525, G>C on the plus strand (C>G on the coding strand, the complement: POLG is on the minus strand). VCF-style: chr15-89325525-G-C. GRCh37 (hg19) VCF-style: chr15-89868756-G-C.
Other names: c.1874C>G, p.Pro625Arg (NM_001126131.2); short protein forms P625R.
Identifiers: ClinVar variation 2736255 (VCV002736255.3), dbSNP rs1064794214, ClinGen allele CA393759180.
Genomic context (GRCh38, chr15:89,325,525, plus strand): 5'-ACCCCAGCTGACTCCAGGGTGGTACCTGTCGGCAGCTTGGCCAGGTTGTCCCGCCGCCCA[G>C]GCACCAAGTAGCCCCAGCCATGACGCTCTGAGTAGTGCAGAGGGAAGCCATCCCAGGTAA-3'
Protein context (NP_002684.1, residues 615-635): SERHGWGYLV[Pro625Arg]GRRDNLAKLP

ClinVar aggregate classification (germline): Likely pathogenic (1 of 4 stars; one submission).

Conditions:
Progressive sclerosing poliodystrophy (MTDPS4A). Also called: ALPERS PROGRESSIVE INFANTILE POLIODYSTROPHY; NEURONAL DEGENERATION OF CHILDHOOD WITH LIVER DISEASE, PROGRESSIVE; Alpers Syndrome; ALPERS DIFFUSE DEGENERATION OF CEREBRAL GRAY MATTER WITH HEPATIC CIRRHOSIS; Alpers-Huttenlocher Syndrome; Mitochondrial DNA depletion syndrome 4A (Alpers type). Identifiers: Orphanet 726, MedGen C0205710, MONDO:0008758, OMIM 203700.

Submission:

Labcorp Genetics (formerly Invitae), Labcorp
Classification: Likely pathogenic for Progressive sclerosing poliodystrophy. Last evaluated: 2023-01-28. Review status: criteria provided, single submitter. Criteria: Invitae Variant Classification Sherloc (09022015). Collection method: clinical testing. Allele origin: germline.
Comment: This variant is not present in population databases (gnomAD no frequency). This sequence change replaces proline, which is neutral and non-polar, with arginine, which is basic and polar, at codon 625 of the POLG protein (p.Pro625Arg). This missense change has been observed in individual(s) with Alpers-Huttenlocher syndrome (PMID: 20883824). In at least one individual the data is consistent with being in trans (on the opposite chromosome) from a pathogenic variant. Advanced modeling of protein sequence and biophysical properties (such as structural, functional, and spatial information, amino acid conservation, physicochemical variation, residue mobility, and thermodynamic stability) performed at Invitae indicates that this missense variant is expected to disrupt POLG protein function. Experimental studies have shown that this missense change affects POLG function (PMID: 20883824). In summary, the currently available evidence indicates that the variant is pathogenic, but additional data are needed to prove that conclusively. Therefore, this variant has been classified as Likely Pathogenic.

Literature cited by the submitters: PubMed 20883824.